The following is an entry in ClinVar:

NM_139076.3(ABRAXAS1):c.508A>G (p.Asn170Asp)

Gene: ABRAXAS1 (abraxas 1, BRCA1 A complex subunit; minus strand). Cytogenetic location: 4q21.23.
Variant type: single nucleotide variant.
Coding change: c.508A>G on transcript NM_139076.3 (MANE Select); coding-DNA position 508, A replaced by G.
Protein change: p.Asn170Asp; replaces asparagine 170 with aspartic acid.
Molecular consequence: missense variant.
Genome position (GRCh38, 1-based): chr4:83,469,120, T>C on the plus strand (A>G on the coding strand, the complement: ABRAXAS1 is on the minus strand). VCF-style: chr4-83469120-T-C. GRCh37 (hg19) VCF-style: chr4-84390273-T-C.
Other names: c.181A>G, p.Asn61Asp (NM_001345962.2); short protein forms N170D, N61D.
Identifiers: ClinVar variation 1799978 (VCV001799978.2), dbSNP rs141624154, ClinGen allele CA357259585.

ClinVar aggregate classification (germline): Uncertain significance (1 of 4 stars; one submission).

Allele frequency attached by ClinVar (database versions not stated): gnomAD 0.00001.
gnomAD v4.1: 1 of 1,613,824 alleles (0.000062%); highest among the groups gnomAD compares: Non-Finnish European, 0.000085%; no homozygotes.

Submission:

Ambry Genetics
Classification: Uncertain significance. Last evaluated: 2022-09-10. Review status: criteria provided, single submitter. Criteria: Ambry Variant Classification Scheme 2023. Collection method: clinical testing. Allele origin: germline.
Comment: The p.N170D variant (also known as c.508A>G), located in coding exon 6 of the FAM175A gene, results from an A to G substitution at nucleotide position 508. The asparagine at codon 170 is replaced by aspartic acid, an amino acid with highly similar properties. This amino acid position is conserved. In addition, this alteration is predicted to be tolerated by in silico analysis. Since supporting evidence is limited at this time, the clinical significance of this alteration remains unclear.